The following is an entry in ClinVar:

ClinVar aggregate classification (germline): Conflicting classifications of pathogenicity. Review status: criteria provided, conflicting classifications (1 of 4 stars). 4 submissions from 4 submitters: Uncertain significance (1); Likely benign (3). Last evaluated 2026-07-06.

Conditions:
Congenital contractural arachnodactyly (CCA). Also called: BEALS SYNDROME; Arthrogryposis, distal, type 9; Beals-Hecht syndrome. Identifiers: Orphanet 115, MedGen C0220668, MONDO:0007363, OMIM 121050.
FBN2-related disorder. Also called: FBN2-related condition.
Familial thoracic aortic aneurysm and aortic dissection (TAAD). Also called: Thoracic aortic aneurysms and dissections. Identifiers: Orphanet 91387, MedGen C4707243, MONDO:0019625.

Allele frequency attached by ClinVar (database versions not stated): TOPMed 0.00001; gnomAD 0.00003; gnomAD exomes 0.00003; ExAC 0.00008.
gnomAD v4.1: 52 of 1,614,074 alleles (0.0032%); highest among the groups gnomAD compares: South Asian, 0.049%; 1 homozygote.

Submissions (4):

PreventionGenetics, part of Exact Sciences
Classification: Likely benign for FBN2-related condition. Last evaluated: 2026-07-06. Review status: criteria provided, single submitter. Criteria: ACMG Guidelines, 2015. Collection method: clinical testing. Allele origin: germline.
Comment: This variant is classified as likely benign based on ACMG/AMP sequence variant interpretation guidelines (Richards et al. 2015 PMID: 25741868, with internal and published modifications).

Ambry Genetics
Classification: Uncertain significance for Familial thoracic aortic aneurysm and aortic dissection. Last evaluated: 2025-04-04. Review status: criteria provided, single submitter. Criteria: Ambry Variant Classification Scheme 2023. Collection method: clinical testing. Allele origin: germline.
Comment: The p.L1466R variant (also known as c.4397T>G), located in coding exon 34 of the FBN2 gene, results from a T to G substitution at nucleotide position 4397. The leucine at codon 1466 is replaced by arginine, an amino acid with dissimilar properties. This amino acid position is highly conserved in available vertebrate species. In addition, this alteration is predicted to be deleterious by in silico analysis. Based on the available evidence, the clinical significance of this variant remains unclear.

Labcorp Genetics (formerly Invitae), Labcorp
Classification: Likely benign for Congenital contractural arachnodactyly. Last evaluated: 2023-05-01. Review status: criteria provided, single submitter. Criteria: Invitae Variant Classification Sherloc (09022015). Collection method: clinical testing. Allele origin: germline.

Blueprint Genetics
Classification: Likely benign. Last evaluated: 2022-05-17. Review status: criteria provided, single submitter. Criteria: ACMG Guidelines, 2015. Collection method: clinical testing. Allele origin: germline.

NM_001999.4(FBN2):c.4397T>G (p.Leu1466Arg)

Gene: FBN2 (fibrillin 2; minus strand). Cytogenetic location: 5q23.3.
Variant type: single nucleotide variant.
Coding change: c.4397T>G on transcript NM_001999.4 (MANE Select); coding-DNA position 4397, T replaced by G.
Protein change: p.Leu1466Arg; replaces leucine 1466 with arginine.
Molecular consequence: missense variant.
Genome position (GRCh38, 1-based): chr5:128,328,770, A>C on the plus strand (T>G on the coding strand, the complement: FBN2 is on the minus strand). VCF-style: chr5-128328770-A-C. GRCh37 (hg19) VCF-style: chr5-127664462-A-C.
Other names: c.4397T>G (NM_001999.3); short protein forms L1466R.
Identifiers: ClinVar variation 2912887 (VCV002912887.6), dbSNP rs759272453, ClinGen allele CA3394972.